The following is an entry in ClinVar:

NM_182972.3(IRF2BP2):c.433C>G (p.Pro145Ala)

Genes: IRF2BP2 (interferon regulatory factor 2 binding protein 2; minus strand), LOC129932812 (ATAC-STARR-seq lymphoblastoid silent region 1977; plus strand). Cytogenetic location: 1q42.3.
Variant type: single nucleotide variant.
Coding change: c.433C>G on transcript NM_182972.3 (MANE Select); coding-DNA position 433, C replaced by G.
Protein change: p.Pro145Ala; replaces proline 145 with alanine.
Molecular consequence: missense variant.
Genome position (GRCh38, 1-based): chr1:234,609,062, G>C on the plus strand (C>G on the coding strand, the complement: IRF2BP2 is on the minus strand). VCF-style: chr1-234609062-G-C. GRCh37 (hg19) VCF-style: chr1-234744808-G-C.
Other names: c.433C>G (NM_182972.2); c.433C>G, p.Pro145Ala (NM_001077397.1); short protein forms P145A.
Identifiers: ClinVar variation 2197903 (VCV002197903.5), dbSNP rs781598996, ClinGen allele CA1461857.

ClinVar aggregate classification (germline): Uncertain significance. Review status: criteria provided, multiple submitters, no conflicts (2 of 4 stars). 2 submissions from 2 submitters: Uncertain significance (2). Last evaluated 2024-01-03.

Allele frequency attached by ClinVar (database versions not stated): gnomAD 0.00001; TOPMed 0.00002.
gnomAD v4.1: 7 of 1,270,844 alleles (0.00055%); highest among the groups gnomAD compares: East Asian, 0.015%; no homozygotes.

Submissions (2):

Ambry Genetics
Classification: Uncertain significance. Last evaluated: 2024-01-03. Review status: criteria provided, single submitter. Criteria: Ambry Variant Classification Scheme 2023. Collection method: clinical testing. Allele origin: germline.

Labcorp Genetics (formerly Invitae), Labcorp
Classification: Uncertain significance. Last evaluated: 2022-04-25. Review status: criteria provided, single submitter. Criteria: Invitae Variant Classification Sherloc (09022015). Collection method: clinical testing. Allele origin: germline.
Comment: In summary, the available evidence is currently insufficient to determine the role of this variant in disease. Therefore, it has been classified as a Variant of Uncertain Significance. Algorithms developed to predict the effect of missense changes on protein structure and function (SIFT, PolyPhen-2, Align-GVGD) all suggest that this variant is likely to be tolerated. This variant has not been reported in the literature in individuals affected with IRF2BP2-related conditions. This variant is present in population databases (rs781598996, gnomAD 0.04%). This sequence change replaces proline, which is neutral and non-polar, with alanine, which is neutral and non-polar, at codon 145 of the IRF2BP2 protein (p.Pro145Ala).